The following is an entry in ClinVar:

NM_001384317.1(ZHX3):c.932C>T (p.Ala311Val)

Gene: ZHX3 (zinc fingers and homeoboxes 3; minus strand). Cytogenetic location: 20q12.
Variant type: single nucleotide variant.
Coding change: c.932C>T on transcript NM_001384317.1 (MANE Select); coding-DNA position 932, C replaced by T.
Protein change: p.Ala311Val; replaces alanine 311 with valine.
Molecular consequence: missense variant.
Genome position (GRCh38, 1-based): chr20:41,203,985, G>A on the plus strand (C>T on the coding strand, the complement: ZHX3 is on the minus strand). VCF-style: chr20-41203985-G-A. GRCh37 (hg19) VCF-style: chr20-39832625-G-A.
Other names: c.932C>T, p.Ala311Val (NM_001384315.1, NM_001384316.1, NM_001384318.1 and 8 more transcripts); short protein forms A311V.
Identifiers: ClinVar variation 1522507 (VCV001522507.6), dbSNP rs143152968, ClinGen allele CA9860027.

ClinVar aggregate classification (germline): Uncertain significance (1 of 4 stars; one submission).

Allele frequency attached by ClinVar (database versions not stated): gnomAD exomes 0.00012; TOPMed 0.00013; 1000 Genomes Project 30x 0.00016; gnomAD 0.00016 and 0.00018; ExAC 0.00017; 1000 Genomes Project 0.00020; ESP Exome Variant Server 0.00031.
gnomAD v4.1: 252 of 1,614,258 alleles (0.016%); highest among the groups gnomAD compares: Non-Finnish European, 0.02%; no homozygotes.

Submission:

Labcorp Genetics (formerly Invitae), Labcorp
Classification: Uncertain significance. Last evaluated: 2024-03-27. Review status: criteria provided, single submitter. Criteria: Invitae Variant Classification Sherloc (09022015). Collection method: clinical testing. Allele origin: germline.
Comment: This sequence change replaces alanine, which is neutral and non-polar, with valine, which is neutral and non-polar, at codon 311 of the ZHX3 protein (p.Ala311Val). This variant is present in population databases (rs143152968, gnomAD 0.02%). This variant has not been reported in the literature in individuals affected with ZHX3-related conditions. ClinVar contains an entry for this variant (Variation ID: 1522507). An algorithm developed to predict the effect of missense changes on protein structure and function (PolyPhen-2) suggests that this variant is likely to be disruptive. In summary, the available evidence is currently insufficient to determine the role of this variant in disease. Therefore, it has been classified as a Variant of Uncertain Significance.